The following is an entry in ClinVar:

ClinVar aggregate classification (germline): Likely pathogenic (1 of 4 stars; one submission).

Conditions:
Joubert syndrome and related disorders. Identifiers: Orphanet 140874, MedGen C5679612, MONDO:0015369.

gnomAD v4.1: 366 of 1,614,176 alleles (0.023%); highest among the groups gnomAD compares: Non-Finnish European, 0.029%; no homozygotes.

Submissions (2):

Institute of Genetic Medicine, Newcastle University
Classification: Likely pathogenic for Joubert syndrome and related disorders. Last evaluated: 2026-04-11. Review status: criteria provided, single submitter. Criteria: ACMG Guidelines, 2015. Collection method: research. Allele origin: germline. Inheritance: Autosomal recessive inheritance. Affected: yes. Observed: 1 variant allele.
Comment: PVS1 (nonsense, NMD-predicted in LoF gene); PM2_Supporting (gnomAD v4.1.0 popmax 0.029%).

Dr. Peter K. Rogan Lab, Western University
No classification provided (evidence only). Condition: Gastric cancer. Review status: no classification provided. Collection method: in vitro. Allele origin: not applicable. Functional consequence: retained intron. Not counted in ClinVar's aggregate classification.

NM_024715.4(TXNDC15):c.656G>A (p.Trp219Ter)

Gene: TXNDC15 (thioredoxin domain containing 15; plus strand). Cytogenetic location: 5q31.1.
Variant type: single nucleotide variant.
Coding change: c.656G>A on transcript NM_024715.4 (MANE Select); coding-DNA position 656, G replaced by A.
Protein change: p.Trp219Ter; replaces tryptophan 219 with a stop codon.
Molecular consequence: nonsense.
Genome position (GRCh38, 1-based): chr5:134,893,556, G>A. VCF-style: chr5-134893556-G-A. GRCh37 (hg19) VCF-style: chr5-134229246-G-A.
Other names: NC_000005.9:g.134229246G>A; c.452G>A, p.Trp151Ter (NM_001350735.2); short protein forms W219*, W151*.
Identifiers: ClinVar variation 4311174 (VCV004311174.2).
Genomic context (GRCh38, chr5:134,893,556, plus strand): 5'-TTATGGATTTTCTGAACCCAAACGGTAGTGACTGTACTCTAGTCCTGTTTTACACCCCGT[G>A]GTGCCGCTTTTCTGCCAGTTTGGCCCCTCACTTTAACTCTCTGCCCCGGGCATTTCCAGC-3'